The following is an entry in ClinVar:

ClinVar aggregate classification (germline): Likely pathogenic (1 of 4 stars; one submission).

Conditions:
Epilepsy, childhood absence 4 (ECA4). Also called: EPILEPSY, CHILDHOOD ABSENCE, SUSCEPTIBILITY TO, 4. Identifiers: Orphanet 307, MedGen C1970160.
Epilepsy, idiopathic generalized, susceptibility to, 13. Also called: EPILEPSY, JUVENILE MYOCLONIC, SUSCEPTIBILITY TO, 5. Identifiers: Orphanet 307, Orphanet 64280, MedGen C4013473, MONDO:0012627, OMIM 611136.
Idiopathic generalized epilepsy. Also called: EIG; Generalised epilepsy. Identifiers: MedGen C0270850, MONDO:0005579, OMIM 600669.

Submission:

Labcorp Genetics (formerly Invitae), Labcorp
Classification: Likely pathogenic for Epilepsy, childhood absence 4; Epilepsy, idiopathic generalized, susceptibility to, 13; Idiopathic generalized epilepsy. Last evaluated: 2025-05-18. Review status: criteria provided, single submitter. Criteria: Invitae Variant Classification Sherloc (09022015). Collection method: clinical testing. Allele origin: germline.
Comment: This sequence change affects an acceptor splice site in intron 5 of the GABRA1 gene. It is expected to disrupt RNA splicing. Variants that disrupt the donor or acceptor splice site typically lead to a loss of protein function (PMID: 16199547), and loss-of-function variants in GABRA1 are known to be pathogenic (PMID: 16718694). This variant is not present in population databases (gnomAD no frequency). This variant has not been reported in the literature in individuals affected with GABRA1-related conditions. Algorithms developed to predict the effect of sequence changes on RNA splicing suggest that this variant may disrupt the consensus splice site. In summary, the currently available evidence indicates that the variant is pathogenic, but additional data are needed to prove that conclusively. Therefore, this variant has been classified as Likely Pathogenic.

Literature cited by the submitters: PubMed 16199547; PubMed 16718694.

NM_001127644.2(GABRA1):c.256-1G>A

Gene: GABRA1 (gamma-aminobutyric acid type A receptor subunit alpha1; plus strand). Cytogenetic location: 5q34.
Variant type: single nucleotide variant.
Coding change: c.256-1G>A on transcript NM_001127644.2 (MANE Select); the canonical splice acceptor site of the intron before coding-DNA position 256, G replaced by A.
Molecular consequence: splice acceptor variant.
Genome position (GRCh38, 1-based): chr5:161,873,116, G>A. VCF-style: chr5-161873116-G-A. GRCh37 (hg19) VCF-style: chr5-161300122-G-A.
Other names: c.256-1G>A (NM_000806.5, NM_001127643.2, NM_001127645.2 and 1 more transcripts).
Identifiers: ClinVar variation 4785050 (VCV004785050.1).